The following is an entry in ClinVar:

ClinVar aggregate classification (germline): Conflicting classifications of pathogenicity. Review status: criteria provided, conflicting classifications (1 of 4 stars). 5 submissions from 5 submitters: Uncertain significance (4); Benign (1). Last evaluated 2026-01-31.

Conditions:
Congenital glaucoma. Identifiers: MedGen C0020302, MONDO:0020366.
Glaucoma 3A. Also called: Glaucoma 3, primary congenital, A. Identifiers: Orphanet 98976, Orphanet 98977, MedGen C1856439, MONDO:0009277, OMIM 231300.
Glaucoma 3, primary infantile, B. Also called: GLC3B; GLAUCOMA, PRIMARY CONGENITAL, TYPE B; GLC3 type B; Primary congenital glaucoma type 3B; Glaucoma primary congenita type 3B. Identifiers: Orphanet 98976, MedGen C1832977, MONDO:0010968, OMIM 600975.
Anterior segment dysgenesis 6 (ASGD6). Also called: Anterior segment dysgenesis 6, multiple subtypes. Identifiers: MedGen C4310623, MONDO:0015016, OMIM 617315.

Allele frequency attached by ClinVar (database versions not stated): 1000 Genomes Project 0.00060; TOPMed 0.00028; 1000 Genomes Project 30x 0.00062.

Submissions (5):

Labcorp Genetics (formerly Invitae), Labcorp
Classification: Benign for Congenital glaucoma. Last evaluated: 2026-01-31. Review status: criteria provided, single submitter. Criteria: Invitae Variant Classification Sherloc (09022015). Collection method: clinical testing. Allele origin: germline.

Women's Health and Genetics/Laboratory Corporation of America, LabCorp
Classification: Uncertain significance. Last evaluated: 2023-12-12. Review status: criteria provided, single submitter. Criteria: LabCorp Variant Classification Summary - May 2015. Collection method: clinical testing. Allele origin: germline.
Comment: Variant summary: CYP1B1 c.958G>T (p.Val320Leu) results in a conservative amino acid change in the encoded protein sequence. Three of five in-silico tools predict a benign effect of the variant on protein function. The variant allele was found at a frequency of 0.00031 in 248424 control chromosomes, predominantly at a frequency of 0.0038 within the East Asian subpopulation in the gnomAD database. This frequency is not significantly higher than estimated for a pathogenic variant in CYP1B1 causing Primary Congenital Glaucoma (0.0038 vs 0.0043), allowing no conclusion about variant significance. c.958G>T has been reported in the literature, primarily in the heterozygous state, in individuals of East Asian ancestry affected with Primary Congenital Glaucoma (e.g. Mashima_2001, Kim_2011, Chen_2014, Do_2016), individuals with primary open-angle glaucoma (Gong_2015), and also in healthy controls (Kim_2011, Gong_2015). To our knowledge, no experimental evidence demonstrating an impact on protein function has been reported. The following publications have been ascertained in the context of this evaluation (PMID: 24227805, 26550974, 25527694, 21850185, 11527932, 12598442, 22942166). Four submitters have cited clinical-significance assessments for this variant to ClinVar after 2014. All submitters classified the variant as uncertain significance. Based on the evidence outlined above, the variant was classified as uncertain significance.

Fulgent Genetics
Classification: Uncertain significance for Glaucoma 3A; Glaucoma 3, primary infantile, B; Anterior segment dysgenesis 6. Last evaluated: 2022-04-11. Review status: criteria provided, single submitter. Criteria: ACMG Guidelines, 2015. Collection method: clinical testing. Allele origin: unknown.

Eurofins Ntd Llc (ga)
Classification: Uncertain significance. Last evaluated: 2016-05-17. Review status: criteria provided, single submitter. Criteria: EGL Classification Definitions 2015. Collection method: clinical testing. Allele origin: germline. Observed: 2 variant alleles, 2 heterozygotes.

Soonchunhyang University Bucheon Hospital, Soonchunhyang University Medical Center
Classification: Uncertain significance for Glaucoma 3A. Last evaluated: 2016-03-18. Review status: criteria provided, single submitter. Criteria: ACMG Guidelines, 2015. Collection method: reference population. Allele origin: germline. Observed: 1 variant allele.

Literature cited by the submitters: PubMed 24227805 (cited by Women's Health and Genetics/Laboratory Corporation of America, LabCorp); PubMed 12598442 (cited by Women's Health and Genetics/Laboratory Corporation of America, LabCorp); PubMed 21850185 (cited by Women's Health and Genetics/Laboratory Corporation of America, LabCorp); PubMed 25527694 (cited by Women's Health and Genetics/Laboratory Corporation of America, LabCorp); PubMed 22942166 (cited by Women's Health and Genetics/Laboratory Corporation of America, LabCorp); PubMed 11527932 (cited by Women's Health and Genetics/Laboratory Corporation of America, LabCorp and Soonchunhyang University Bucheon Hospital, Soonchunhyang University Medical Center); PubMed 26550974 (cited by Women's Health and Genetics/Laboratory Corporation of America, LabCorp).

NM_000104.4(CYP1B1):c.958G>T (p.Val320Leu)

Gene: CYP1B1 (cytochrome P450 family 1 subfamily B member 1; minus strand). Cytogenetic location: 2p22.2.
Variant type: single nucleotide variant.
Coding change: c.958G>T on transcript NM_000104.4 (MANE Select); coding-DNA position 958, G replaced by T.
Protein change: p.Val320Leu; replaces valine 320 with leucine.
Molecular consequence: missense variant.
Genome position (GRCh38, 1-based): chr2:38,074,431, C>A on the plus strand (G>T on the coding strand, the complement: CYP1B1 is on the minus strand). VCF-style: chr2-38074431-C-A. GRCh37 (hg19) VCF-style: chr2-38301574-C-A.
Other names: short protein forms V320L.
Identifiers: ClinVar variation 225333 (VCV000225333.22), dbSNP rs72549382, ClinGen allele CA1619915.